The following is an entry in ClinVar:

ClinVar aggregate classification (germline): Uncertain significance (1 of 4 stars; one submission).

Conditions:
Inborn genetic diseases. Identifiers: MedGen C0950123, MeSH D030342.

Allele frequency attached by ClinVar (database versions not stated): gnomAD exomes below 0.00001; ExAC 0.00001; TOPMed 0.00003; gnomAD 0.00005.
gnomAD v4.1: 8 of 1,612,804 alleles (0.0005%); highest among the groups gnomAD compares: African/African-American, 0.011%; no homozygotes.

Submission:

Ambry Genetics
Classification: Uncertain significance for Inborn genetic diseases. Last evaluated: 2020-10-01. Review status: criteria provided, single submitter. Criteria: Ambry Variant Classification Scheme 2023. Collection method: clinical testing. Allele origin: germline.
Comment: The p.A1364T variant (also known as c.4090G>A), located in coding exon 30 of the DST gene, results from a G to A substitution at nucleotide position 4090. The alanine at codon 1364 is replaced by threonine, an amino acid with similar properties. This amino acid position is well conserved in available vertebrate species. In addition, this alteration is predicted to be tolerated by in silico analysis. Since supporting evidence is limited at this time, the clinical significance of this alteration remains unclear.

NM_001374736.1(DST):c.4189G>A (p.Ala1397Thr)

Gene: DST (dystonin; minus strand). Cytogenetic location: 6p12.1.
Variant type: single nucleotide variant.
Coding change: c.4189G>A on transcript NM_001374736.1 (MANE Select); coding-DNA position 4189, G replaced by A.
Protein change: p.Ala1397Thr; replaces alanine 1397 with threonine.
Molecular consequence: missense variant.
Genome position (GRCh38, 1-based): chr6:56,630,337, C>T on the plus strand (G>A on the coding strand, the complement: DST is on the minus strand). VCF-style: chr6-56630337-C-T. GRCh37 (hg19) VCF-style: chr6-56495135-C-T.
Other names: c.4090G>A, p.Ala1364Thr (NM_001144769.5); c.3676G>A, p.Ala1226Thr (NM_001144770.2); c.4189G>A, p.Ala1397Thr (NM_001374722.1); c.3556G>A, p.Ala1186Thr (NM_001374729.1, NM_001374730.1, NM_001386100.1 and 1 more transcripts); c.4216G>A, p.Ala1406Thr (NM_001374734.1); c.2578G>A, p.Ala860Thr (NM_001723.7, NM_015548.5); short protein forms A1397T, A860T, A1186T, A1364T, A1406T, A1226T.
Identifiers: ClinVar variation 1737746 (VCV001737746.2), dbSNP rs745707951, ClinGen allele CA3870949.
Genomic context (GRCh38, chr6:56,630,337, plus strand): 5'-TCTTGTCAGCTATAACTGCTTCTTCTTCACACAGTTTAGTTTCATAGAGTTTTACGAGGG[C>T]TTCTGCAGCTTGAGTGTTTTTTAACACCAAGTTAACAGTTTTCAACCTTAAAAAGGAAAT-3'
Protein context (NP_001361665.1, residues 1387-1407): LVLKNTQAAE[Ala1397Thr]LVKLYETKLC